The following is an entry in ClinVar:

NM_004006.3(DMD):c.4423A>T (p.Lys1475Ter)

Gene: DMD (dystrophin; minus strand). Cytogenetic location: Xp21.1.
Variant type: single nucleotide variant.
Coding change: c.4423A>T on transcript NM_004006.3 (MANE Select); coding-DNA position 4423, A replaced by T.
Protein change: p.Lys1475Ter; replaces lysine 1475 with a stop codon.
Molecular consequence: nonsense.
Genome position (GRCh38, 1-based): chrX:32,389,596, T>A on the plus strand (A>T on the coding strand, the complement: DMD is on the minus strand). VCF-style: chrX-32389596-T-A. GRCh37 (hg19) VCF-style: chrX-32407713-T-A.
Other names: c.4399A>T, p.Lys1467Ter (NM_000109.4); c.4411A>T, p.Lys1471Ter (NM_004009.3); c.4054A>T, p.Lys1352Ter (NM_004010.3); c.400A>T, p.Lys134Ter (NM_004011.4); c.391A>T, p.Lys131Ter (NM_004012.4); short protein forms K134*, K131*, K1467*, K1352*, K1471*, K1475*.
Identifiers: ClinVar variation 803875 (VCV000803875.2), dbSNP rs1603632314, ClinGen allele CA412663533.
Genomic context (GRCh38, chrX:32,389,596, plus strand): 5'-GTTCCACACTCTTTGTTTCCAATGCAGGCAAGTGCATCTTCACTTCATCTAAAATCATCT[T>A]ACTTTCTTGTAGACGCTGCTCAAAATTGGCTGGTTTCTGGAATAATCGAAACTTCATGGA-3'

ClinVar aggregate classification (germline): Pathogenic. Review status: criteria provided, multiple submitters, no conflicts (2 of 4 stars). 2 submissions from 2 submitters: Pathogenic (2). Last evaluated 2024-05-08.

Conditions:
Duchenne muscular dystrophy (DMD). Also called: Duchenne Muscular Dystrophy (DMD); MUSCULAR DYSTROPHY, PSEUDOHYPERTROPHIC PROGRESSIVE, DUCHENNE TYPE. Identifiers: Orphanet 98896, MedGen C0013264, MONDO:0010679, OMIM 310200.
Progressive muscular dystrophy. Identifiers: Orphanet 206644, MedGen C4551827, MONDO:0016106.

Submissions (2):

Myriad Genetics, Inc.
Classification: Pathogenic for Progressive muscular dystrophy. Last evaluated: 2024-05-08. Review status: criteria provided, single submitter. Criteria: Myriad Autosomal Dominant, Autosomal Recessive and X-Linked Classification Criteria (2023). Collection method: clinical testing. Allele origin: unknown.
Comment: NM_004006.2(DMD):c.4423A>T(K1475*) is expected to be pathogenic in the context of dystrophinopathy (including Duchenne/Becker muscular dystrophy). This variant is predicted to lead to an abnormal or absent protein product due to the creation of a premature termination codon in DMD, a gene where loss-of-function variants are known to be pathogenic. Please note: this variant was assessed in the context of healthy population screening.

Mendelics
Classification: Pathogenic for Duchenne muscular dystrophy. Last evaluated: 2019-05-28. Review status: criteria provided, single submitter. Criteria: Mendelics Assertion Criteria 2017. Collection method: clinical testing. Allele origin: unknown.